The following is an entry in ClinVar:

NM_005918.4(MDH2):c.329G>C (p.Arg110Pro)

Gene: MDH2 (malate dehydrogenase 2; plus strand). Cytogenetic location: 7q11.23.
Variant type: single nucleotide variant.
Coding change: c.329G>C on transcript NM_005918.4 (MANE Select); coding-DNA position 329, G replaced by C.
Protein change: p.Arg110Pro; replaces arginine 110 with proline.
Molecular consequence: missense variant.
Genome position (GRCh38, 1-based): chr7:76,057,978, G>C. VCF-style: chr7-76057978-G-C. GRCh37 (hg19) VCF-style: chr7-75687296-G-C.
Other names: c.329G>C, p.Arg110Pro (NM_001282403.2); c.8G>C, p.Arg3Pro (NM_001282404.2); short protein forms R110P, R3P.
Identifiers: ClinVar variation 3394062 (VCV003394062.1).

ClinVar aggregate classification (germline): Uncertain significance (1 of 4 stars; one submission).

Conditions:
Inborn genetic diseases. Identifiers: MedGen C0950123, MeSH D030342.

Submission:

Ambry Genetics
Classification: Uncertain significance for Inborn genetic diseases. Last evaluated: 2024-07-16. Review status: criteria provided, single submitter. Criteria: Ambry Variant Classification Scheme 2023. Collection method: clinical testing. Allele origin: germline.
Comment: The p.R110P variant (also known as c.329G>C), located in coding exon 4 of the MDH2 gene, results from a G to C substitution at nucleotide position 329. The arginine at codon 110 is replaced by proline, an amino acid with dissimilar properties. This amino acid position is conserved. In addition, this alteration is predicted to be deleterious by in silico analysis. Based on the available evidence, the clinical significance of this variant remains unclear.